The following is an entry in ClinVar:

ClinVar aggregate classification (germline): Uncertain significance (1 of 4 stars; one submission).

Submission:

Ambry Genetics
Classification: Uncertain significance. Last evaluated: 2025-09-01. Review status: criteria provided, single submitter. Criteria: Ambry Variant Classification Scheme 2023. Collection method: clinical testing. Allele origin: germline.
Comment: The p.G42E variant (also known as c.125G>A), located in coding exon 1 of the GALNT12 gene, results from a G to A substitution at nucleotide position 125. The glycine at codon 42 is replaced by glutamic acid, an amino acid with similar properties. This amino acid position is conserved. In addition, this alteration is predicted to be tolerated by in silico analysis. Based on the available evidence, the clinical significance of this variant remains unclear.

NM_024642.5(GALNT12):c.125G>A (p.Gly42Glu)

Gene: GALNT12 (polypeptide N-acetylgalactosaminyltransferase 12; plus strand). Cytogenetic location: 9q22.33.
Variant type: single nucleotide variant.
Coding change: c.125G>A on transcript NM_024642.5 (MANE Select); coding-DNA position 125, G replaced by A.
Protein change: p.Gly42Glu; replaces glycine 42 with glutamic acid.
Molecular consequence: missense variant.
Genome position (GRCh38, 1-based): chr9:98,807,823, G>A. VCF-style: chr9-98807823-G-A. GRCh37 (hg19) VCF-style: chr9-101570105-G-A.
Other names: short protein forms G42E.
Identifiers: ClinVar variation 4261510 (VCV004261510.1).